The following is an entry in ClinVar:

ClinVar aggregate classification (germline): Uncertain significance (1 of 4 stars; one submission).

Conditions:
Long QT syndrome (LQTS). Identifiers: MedGen C0023976, MeSH D008133, MONDO:0002442. Disease mechanism: loss of function. Inheritance: Various modes of inheritance.

Submission:

Labcorp Genetics (formerly Invitae), Labcorp
Classification: Uncertain significance for Long QT syndrome. Last evaluated: 2023-10-13. Review status: criteria provided, single submitter. Criteria: Invitae Variant Classification Sherloc (09022015). Collection method: clinical testing. Allele origin: germline.
Comment: This sequence change replaces alanine, which is neutral and non-polar, with threonine, which is neutral and polar, at codon 260 of the KCNH2 protein (p.Ala260Thr). This variant is not present in population databases (gnomAD no frequency). This variant has not been reported in the literature in individuals affected with KCNH2-related conditions. ClinVar contains an entry for this variant (Variation ID: 2084522). An algorithm developed to predict the effect of missense changes on protein structure and function (PolyPhen-2) suggests that this variant is likely to be tolerated. In summary, the available evidence is currently insufficient to determine the role of this variant in disease. Therefore, it has been classified as a Variant of Uncertain Significance.

NM_000238.4(KCNH2):c.778G>A (p.Ala260Thr)

Gene: KCNH2 (potassium voltage-gated channel subfamily H member 2; minus strand). Cytogenetic location: 7q36.1.
Variant type: single nucleotide variant.
Coding change: c.778G>A on transcript NM_000238.4 (MANE Select); coding-DNA position 778, G replaced by A.
Protein change: p.Ala260Thr; replaces alanine 260 with threonine.
Molecular consequence: missense variant.
Genome position (GRCh38, 1-based): chr7:150,958,197, C>T on the plus strand (G>A on the coding strand, the complement: KCNH2 is on the minus strand). VCF-style: chr7-150958197-C-T. GRCh37 (hg19) VCF-style: chr7-150655285-C-T.
Other names: c.490G>A, p.Ala164Thr (NM_001406753.1, NM_001406756.1); c.601G>A, p.Ala201Thr (NM_001406755.1); c.478G>A, p.Ala160Thr (NM_001406757.1); c.778G>A, p.Ala260Thr (NM_172056.3); short protein forms A160T, A164T, A201T, A260T.
Identifiers: ClinVar variation 2084522 (VCV002084522.4), dbSNP rs1220897906, ClinGen allele CA369862528.